The following is an entry in ClinVar:

ClinVar aggregate classification (germline): Pathogenic (1 of 4 stars; one submission).

Conditions:
Spermatogenic failure 18. Identifiers: MedGen C4539783, MONDO:0054615, OMIM 617576.
Ciliary dyskinesia, primary, 37 (CILD37). Also called: CILIARY DYSKINESIA, PRIMARY, 37, WITH OR WITHOUT SITUS INVERSUS. Identifiers: MedGen C4539798, MONDO:0033204, OMIM 617577.

Submission:

Labcorp Genetics (formerly Invitae), Labcorp
Classification: Pathogenic for Ciliary dyskinesia, primary, 37; Spermatogenic failure 18. Last evaluated: 2022-04-17. Review status: criteria provided, single submitter. Criteria: Invitae Variant Classification Sherloc (09022015). Collection method: clinical testing. Allele origin: germline.
Comment: This sequence change creates a premature translational stop signal (p.Val1761Aspfs*16) in the DNAH1 gene. It is expected to result in an absent or disrupted protein product. Loss-of-function variants in DNAH1 are known to be pathogenic (PMID: 27573432, 27798045). For these reasons, this variant has been classified as Pathogenic. This variant has not been reported in the literature in individuals affected with DNAH1-related conditions. This variant is not present in population databases (gnomAD no frequency).

Literature cited by the submitters: PubMed 27573432; PubMed 27798045.

NM_015512.5(DNAH1):c.5282_5283del (p.Val1761fs)

Gene: DNAH1 (dynein axonemal heavy chain 1; plus strand). Cytogenetic location: 3p21.1.
Variant type: Microsatellite.
Coding change: c.5282_5283del on transcript NM_015512.5 (MANE Select); coding-DNA positions 5282 to 5283, 2 bases deleted (TG; older notation c.5282_5283delTG).
Protein change: p.Val1761fs; shifts the reading frame from valine 1761.
Molecular consequence: frameshift variant.
Genome position (GRCh38, 1-based): chr3:52,364,675-52,364,676, TG deleted; deleting any 2 consecutive bases within chr3:52,364,673-52,364,676 gives the same sequence; the c. name uses the placement nearest the transcript's 3' end. VCF-style (leftmost placement, unchanged base first): chr3-52364672-CTG-C. GRCh37 (hg19) VCF-style: chr3-52398688-CTG-C.
Other names: short protein forms V1761fs.
Identifiers: ClinVar variation 2127419 (VCV002127419.4), dbSNP rs2471216516, ClinGen allele CA2580616470.